The following is an entry in ClinVar:

ClinVar aggregate classification (germline): Pathogenic (0 of 4 stars; one submission).

Conditions:
Androgen resistance syndrome (AIS). Also called: Androgen insensitivity syndrome due to coactivator deficiency; Androgen insensitivity; ANDROGEN RECEPTOR DEFICIENCY; DIHYDROTESTOSTERONE RECEPTOR DEFICIENCY; DHTR DEFICIENCY; TESTICULAR FEMINIZATION SYNDROME. Identifiers: Orphanet 754, Orphanet 99429, MedGen C0039585, MONDO:0019154, OMIM 300068. Disease mechanism: loss of function.

Submission:

Family Health Institute, Tehran University of Medical Sciences
Classification: Pathogenic for Androgen resistance syndrome. Last evaluated: 2022-05-24. Review status: no assertion criteria provided. Collection method: clinical testing. Allele origin: maternal. Inheritance: X-linked recessive inheritance. Affected: yes. Observed: 2 hemizygotes.
Comment: The c.2484T>A (p. phe828Leu) variant in AR (NM_000044.4) gene has not been reported in professional databases. Its frequency in 1000 genome, Iranome and other public databases were 0.000%. We found this variant in two sisters with complete androgen insensitivity syndrome (AIS) and 46,XY karyotype. This variant was inherited from their phenotypically normal, heterozygous mother. In addition, Nam H et.al 2015, reported the same amino acid change (c.2482T>C; p.Phe828Leu) in the AR gene in a patient with complete AIS born to a heterozygous mother with polycystic ovary syndrome (PCOS). Moreover, previous studies showed that Phe 828 residue is a well-conserved site and lies within a segment considered critical for AR activity. Collectively, we categorized the c.2484T>A (p. phe828Leu) variant in AR (NM_000044.4) gene as pathogenic.

NM_000044.6(AR):c.2484T>A (p.Phe828Leu)

Gene: AR (androgen receptor; plus strand). Cytogenetic location: Xq12.
Variant type: single nucleotide variant.
Coding change: c.2484T>A on transcript NM_000044.6 (MANE Select); coding-DNA position 2484, T replaced by A.
Protein change: p.Phe828Leu; replaces phenylalanine 828 with leucine.
Molecular consequence: missense variant.
Genome position (GRCh38, 1-based): chrX:67,722,861, T>A. VCF-style: chrX-67722861-T-A. GRCh37 (hg19) VCF-style: chrX-66942703-T-A.
Other names: AIS; c.888T>A, p.Phe296Leu (NM_001011645.3); short protein forms F296L, F828L.
Identifiers: ClinVar variation 1686658 (VCV001686658.3), dbSNP rs2147537798, ClinGen allele CA413427658.